The following is an entry in ClinVar:

NM_021619.3(PRDM12):c.337G>A (p.Glu113Lys)

Genes: PRDM12 (PR/SET domain 12; plus strand), LOC126860775 (CDK7 strongly-dependent group 2 enhancer GRCh37_chr9:133541982-133543181; plus strand). Cytogenetic location: 9q34.12.
Variant type: single nucleotide variant.
Coding change: c.337G>A on transcript NM_021619.3 (MANE Select); coding-DNA position 337, G replaced by A.
Protein change: p.Glu113Lys; replaces glutamic acid 113 with lysine.
Molecular consequence: missense variant.
Genome position (GRCh38, 1-based): chr9:130,666,721, G>A. VCF-style: chr9-130666721-G-A. GRCh37 (hg19) VCF-style: chr9-133542108-G-A.
Other names: short protein forms E113K.
Identifiers: ClinVar variation 937567 (VCV000937567.8), dbSNP rs1340429004, ClinGen allele CA375246481.
Genomic context (GRCh38, chr9:130,666,721, plus strand): 5'-AGCTCCATCCCTGGCGAGGGCCTCGGCATCTTCTCCAAGACGTGGATCAAGGCGGGAACC[G>A]AGATGGGCCCCTTCACCGGCCGCGTGATCGCCCCGGAGCACGTGGACATCTGCAAGAACA-3'
Protein context (NP_067632.2, residues 103-123): FSKTWIKAGT[Glu113Lys]MGPFTGRVIA

ClinVar aggregate classification (germline): Uncertain significance. Review status: criteria provided, multiple submitters, no conflicts (2 of 4 stars). 2 submissions from 2 submitters: Uncertain significance (2). Last evaluated 2025-11-12.

Conditions:
Inborn genetic diseases. Identifiers: MedGen C0950123, MeSH D030342.
Congenital insensitivity to pain-hypohidrosis syndrome. Also called: HSAN VIII; Neuropathy, hereditary sensory and autonomic, type VIII. Identifiers: Orphanet 478664, MedGen C4225308, MONDO:0014662, OMIM 616488.

Allele frequency attached by ClinVar (database versions not stated): gnomAD exomes below 0.00001; TOPMed 0.00001.
gnomAD v4.1: 2 of 1,613,408 alleles (0.00012%); highest among the groups gnomAD compares: South Asian, 0.0011%; no homozygotes.

Submissions (2):

Ambry Genetics
Classification: Uncertain significance for Inborn genetic diseases. Last evaluated: 2025-11-12. Review status: criteria provided, single submitter. Criteria: Ambry Variant Classification Scheme 2023. Collection method: clinical testing. Allele origin: germline.

Labcorp Genetics (formerly Invitae), Labcorp
Classification: Uncertain significance for Congenital insensitivity to pain-hypohidrosis syndrome. Last evaluated: 2022-07-21. Review status: criteria provided, single submitter. Criteria: Invitae Variant Classification Sherloc (09022015). Collection method: clinical testing. Allele origin: germline.
Comment: This sequence change replaces glutamic acid, which is acidic and polar, with lysine, which is basic and polar, at codon 113 of the PRDM12 protein (p.Glu113Lys). This variant is present in population databases (no rsID available, gnomAD 0.003%). This variant has not been reported in the literature in individuals affected with PRDM12-related conditions. ClinVar contains an entry for this variant (Variation ID: 937567). Algorithms developed to predict the effect of missense changes on protein structure and function are either unavailable or do not agree on the potential impact of this missense change (SIFT: "Deleterious"; PolyPhen-2: "Benign"; Align-GVGD: "Class C0"). In summary, the available evidence is currently insufficient to determine the role of this variant in disease. Therefore, it has been classified as a Variant of Uncertain Significance.